The following is an entry in ClinVar:

ClinVar aggregate classification (germline): VUS-mid (1 of 4 stars; one submission).

Conditions:
Atypical hemolytic-uremic syndrome with MCP/CD46 anomaly. Also called: HEMOLYTIC UREMIC SYNDROME, ATYPICAL, SUSCEPTIBILITY TO, 2; AHUS, SUSCEPTIBILITY TO, 2. Identifiers: Orphanet 2134, MedGen C2752040, MONDO:0013040, OMIM 612922.

Submission:

Clinical Research Development Center, Iran University of Medical Sciences (IUMS)
Classification: VUS-mid for Atypical hemolytic-uremic syndrome with MCP/CD46 anomaly. Last evaluated: 2026-06-28. Review status: criteria provided, single submitter. Criteria: ACMG Guidelines, 2015. Collection method: clinical testing. Allele origin: germline. Affected: yes.
Comment: The c.374T>G variant in CD46 gene was absent from large population studies (PM2). Computational prediction tools like SIFT, PolyPhen, and PHRED score support a deleterious effect of this variation (PP3).

Literature cited by the submitters: PubMed 35987516.

NM_172351.3(CD46):c.374T>G (p.Phe125Cys)

Gene: CD46 (CD46 molecule; plus strand). Cytogenetic location: 1q32.2.
Variant type: single nucleotide variant.
Coding change: c.374T>G on transcript NM_172351.3 (MANE Select); coding-DNA position 374, T replaced by G.
Protein change: p.Phe125Cys; replaces phenylalanine 125 with cysteine.
Molecular consequence: missense variant.
Genome position (GRCh38, 1-based): chr1:207,757,627, T>G. VCF-style: chr1-207757627-T-G. GRCh37 (hg19) VCF-style: chr1-207930972-T-G.
Other names: c.374T>G, p.Phe125Cys (NM_002389.4, NM_153826.4, NM_172350.3 and 8 more transcripts); short protein forms F125C.
Identifiers: ClinVar variation 4857335 (VCV004857335.1).